The following is an entry in ClinVar:

ClinVar aggregate classification (germline): Likely pathogenic (1 of 4 stars; one submission).

Conditions:
Metachromatic leukodystrophy (MLD). Also called: Cerebral sclerosis diffuse metachromatic form; Arylsulfatase A Deficiency; METACHROMATIC LEUKOENCEPHALOPATHY; SULFATIDE LIPIDOSIS; ARSA DEFICIENCY; CEREBROSIDE SULFATASE DEFICIENCY. Identifiers: Orphanet 512, MedGen C0023522, MONDO:0018868, OMIM 250100.

Submission:

3billion
Classification: Likely pathogenic for Metachromatic leukodystrophy. Last evaluated: 2024-03-14. Review status: criteria provided, single submitter. Criteria: ACMG Guidelines, 2015. Collection method: clinical testing. Allele origin: germline. Affected: yes.
Comment: The variant is observed at an extremely low frequency in the gnomAD v2.1.1 dataset (total allele frequency: 0.002%). Predicted Consequence/Location: Missense variant In silico tool predictions suggest damaging effect of the variant on gene or gene product [REVEL: 0.88 (>=0.6, sensitivity 0.68 and specificity 0.92); 3Cnet: 0.94 (>=0.6, sensitivity 0.72 and precision 0.9)]. Same nucleotide change resulting in same amino acid change has been previously reported as pathogenic/likely pathogenic with strong evidence (ClinVar ID: VCV000003085 /PMID: 7866401). The variant has been reported to be in trans with a pathogenic variant as either compound heterozygous or homozygous in at least one similarly affected unrelated individual (3billion dataset). Different missense changes at the same codon (p.Arg392Gln, p.Arg392Gly) have been reported as pathogenic/likely pathogenic with strong evidence (ClinVar ID: VCV000068116, VCV002864140 /PMID: 9452102). Therefore, this variant is classified as Pathogenic according to the recommendation of ACMG/AMP guideline.

Literature cited by the submitters: PubMed 30057904.

NM_000487.6(ARSA):c.1159G>T (p.Gly387Trp)

Gene: ARSA (arylsulfatase A; minus strand). Cytogenetic location: 22q13.33.
Variant type: single nucleotide variant.
Coding change: c.1159G>T on transcript NM_000487.6 (MANE Select); coding-DNA position 1159, G replaced by T.
Protein change: p.Gly387Trp; replaces glycine 387 with tryptophan.
Molecular consequence: missense variant.
Genome position (GRCh38, 1-based): chr22:50,625,630, C>A on the plus strand (G>T on the coding strand, the complement: ARSA is on the minus strand). VCF-style: chr22-50625630-C-A. GRCh37 (hg19) VCF-style: chr22-51064058-C-A.
Other names: c.1159G>T, p.Gly387Trp (NM_001085425.3, NM_001085426.3, NM_001085427.3); c.901G>T, p.Gly301Trp (NM_001085428.3, NM_001362782.2); short protein forms G301W, G387W.
Identifiers: ClinVar variation 3776250 (VCV003776250.1).